The following is an entry in ClinVar:

NM_006231.4(POLE):c.3599C>A (p.Ala1200Asp)

Gene: POLE (DNA polymerase epsilon, catalytic subunit; minus strand). Cytogenetic location: 12q24.33.
Variant type: single nucleotide variant.
Coding change: c.3599C>A on transcript NM_006231.4 (MANE Select); coding-DNA position 3599, C replaced by A.
Protein change: p.Ala1200Asp; replaces alanine 1200 with aspartic acid.
Molecular consequence: missense variant.
Genome position (GRCh38, 1-based): chr12:132,649,873, G>T on the plus strand (C>A on the coding strand, the complement: POLE is on the minus strand). VCF-style: chr12-132649873-G-T. GRCh37 (hg19) VCF-style: chr12-133226459-G-T.
Other names: short protein forms A1200D.
Identifiers: ClinVar variation 1423720 (VCV001423720.6), dbSNP rs2138615576, ClinGen allele CA387387033.

ClinVar aggregate classification (germline): Uncertain significance (1 of 4 stars; one submission).

Allele frequency attached by ClinVar (database versions not stated): gnomAD exomes below 0.00001.
gnomAD v4.1: 1 of 1,613,988 alleles (0.000062%); highest among the groups gnomAD compares: Non-Finnish European, 0.000085%; no homozygotes.

Submission:

Labcorp Genetics (formerly Invitae), Labcorp
Classification: Uncertain significance. Last evaluated: 2025-09-01. Review status: criteria provided, single submitter. Criteria: Invitae Variant Classification Sherloc (09022015). Collection method: clinical testing. Allele origin: germline.
Comment: This sequence change replaces alanine, which is neutral and non-polar, with aspartic acid, which is acidic and polar, at codon 1200 of the POLE protein (p.Ala1200Asp). This variant is not present in population databases (gnomAD no frequency). This variant has not been reported in the literature in individuals affected with POLE-related conditions. ClinVar contains an entry for this variant (Variation ID: 1423720). An algorithm developed to predict the effect of missense changes on protein structure and function (PolyPhen-2) suggests that this variant is likely to be tolerated. In summary, the available evidence is currently insufficient to determine the role of this variant in disease. Therefore, it has been classified as a Variant of Uncertain Significance.